The following is an entry in ClinVar:

NM_004444.5(EPHB4):c.982C>T (p.Arg328Trp)

Gene: EPHB4 (EPH receptor B4; minus strand). Cytogenetic location: 7q22.1.
Variant type: single nucleotide variant.
Coding change: c.982C>T on transcript NM_004444.5 (MANE Select); coding-DNA position 982, C replaced by T.
Protein change: p.Arg328Trp; replaces arginine 328 with tryptophan.
Molecular consequence: missense variant.
Genome position (GRCh38, 1-based): chr7:100,819,872, G>A on the plus strand (C>T on the coding strand, the complement: EPHB4 is on the minus strand). VCF-style: chr7-100819872-G-A. GRCh37 (hg19) VCF-style: chr7-100417494-G-A.
Other names: short protein forms R328W.
Identifiers: ClinVar variation 3224298 (VCV003224298.1), dbSNP rs199701655, ClinGen allele CA368577036.

ClinVar aggregate classification (germline): Uncertain significance (1 of 4 stars; one submission).

Conditions:
Cardiovascular phenotype. Identifiers: MedGen CN230736.

Submission:

Ambry Genetics
Classification: Uncertain significance for Cardiovascular phenotype. Last evaluated: 2024-01-22. Review status: criteria provided, single submitter. Criteria: Ambry Variant Classification Scheme 2023. Collection method: clinical testing. Allele origin: germline.
Comment: The p.R328W variant (also known as c.982C>T), located in coding exon 6 of the EPHB4 gene, results from a C to T substitution at nucleotide position 982. The arginine at codon 328 is replaced by tryptophan, an amino acid with dissimilar properties. This amino acid position is conserved. In addition, this alteration is predicted to be deleterious by in silico analysis. Based on the available evidence, the clinical significance of this alteration remains unclear.